The following is an entry in ClinVar:

NM_014000.3(VCL):c.50C>A (p.Ala17Glu)

Genes: VCL (vinculin; plus strand), LOC130004109 (ATAC-STARR-seq lymphoblastoid active region 3587; plus strand). Cytogenetic location: 10q22.2.
Variant type: single nucleotide variant.
Coding change: c.50C>A on transcript NM_014000.3 (MANE Select); coding-DNA position 50, C replaced by A.
Protein change: p.Ala17Glu; replaces alanine 17 with glutamic acid.
Molecular consequence: missense variant.
Genome position (GRCh38, 1-based): chr10:73,998,257, C>A. VCF-style: chr10-73998257-C-A. GRCh37 (hg19) VCF-style: chr10-75758015-C-A.
Other names: p.A17E:GCA>GAA; c.50C>A, p.Ala17Glu (NM_003373.4); short protein forms A17E.
Identifiers: ClinVar variation 202152 (VCV000202152.4), dbSNP rs794729189, ClinGen allele CA335610.

ClinVar aggregate classification (germline): Uncertain significance (1 of 4 stars; one submission).

Submission:

GeneDx
Classification: Uncertain significance. Last evaluated: 2022-07-14. Review status: criteria provided, single submitter. Criteria: GeneDx Variant Classification Process June 2021. Collection method: clinical testing. Allele origin: germline. Affected: yes.
Comment: Not observed at significant frequency in large population cohorts (gnomAD); In silico analysis supports that this missense variant has a deleterious effect on protein structure/function; Has not been previously published as pathogenic or benign to our knowledge